The following is an entry in ClinVar:

NM_001067.4(TOP2A):c.3290T>C (p.Val1097Ala)

Gene: TOP2A (DNA topoisomerase II alpha; minus strand). Cytogenetic location: 17q21.2.
Variant type: single nucleotide variant.
Coding change: c.3290T>C on transcript NM_001067.4 (MANE Select); coding-DNA position 3290, T replaced by C.
Protein change: p.Val1097Ala; replaces valine 1097 with alanine.
Molecular consequence: missense variant.
Genome position (GRCh38, 1-based): chr17:40,398,936, A>G on the plus strand (T>C on the coding strand, the complement: TOP2A is on the minus strand). VCF-style: chr17-40398936-A-G. GRCh37 (hg19) VCF-style: chr17-38555188-A-G.
Other names: short protein forms V1097A.
Identifiers: ClinVar variation 770447 (VCV000770447.6), dbSNP rs61732514, ClinGen allele CA8543202.

ClinVar aggregate classification (germline): Benign. Review status: criteria provided, single submitter (1 of 4 stars). 2 submissions from 2 submitters: Benign (1). 1 of the submissions does not count toward it. Last evaluated 2019-12-31.

Conditions:
TOP2A-related disorder. Also called: TOP2A-related condition.

Allele frequency attached by ClinVar (database versions not stated): 1000 Genomes Project 0.00140; 1000 Genomes Project 30x 0.00156; TOPMed 0.00266; ESP Exome Variant Server 0.00279; gnomAD 0.00327 and 0.00334; ExAC 0.00334; gnomAD exomes 0.00359 and 0.00472.
gnomAD v4.1: 7,315 of 1,607,438 alleles (0.46%); highest among the groups gnomAD compares: Non-Finnish European, 0.5%; 32 homozygotes.

Submissions (2):

Labcorp Genetics (formerly Invitae), Labcorp
Classification: Benign. Last evaluated: 2019-12-31. Review status: criteria provided, single submitter. Criteria: Invitae Variant Classification Sherloc (09022015). Collection method: clinical testing. Allele origin: germline.

PreventionGenetics, part of Exact Sciences
Classification: Likely benign for TOP2A-related condition. Last evaluated: 2023-02-28. Review status: no assertion criteria provided. Collection method: clinical testing. Allele origin: germline. Not counted in ClinVar's aggregate classification.
Comment: This variant is classified as likely benign based on ACMG/AMP sequence variant interpretation guidelines (Richards et al. 2015 PMID: 25741868, with internal and published modifications).